The following is an entry in ClinVar:

NM_001256627.2(BRSK2):c.2175G>C (p.Lys725Asn)

Gene: BRSK2 (BR serine/threonine kinase 2; plus strand). Cytogenetic location: 11p15.5.
Variant type: single nucleotide variant.
Coding change: c.2175G>C on transcript NM_001256627.2 (MANE Select); coding-DNA position 2175, G replaced by C.
Protein change: p.Lys725Asn; replaces lysine 725 with asparagine.
Molecular consequence: missense variant. On other transcripts: intron variant (14).
Genome position (GRCh38, 1-based): chr11:1,460,687, G>C. VCF-style: chr11-1460687-G-C. GRCh37 (hg19) VCF-style: chr11-1481917-G-C.
Other names: c.2265G>C, p.Lys755Asn (NM_001256630.1); c.1995G>C, p.Lys665Asn (NM_001440669.1); c.2420-283G>C (NM_001440665.1); c.2054-283G>C (NM_001440668.1); c.2006-283G>C (NM_001440670.1); c.2354-283G>C (NM_001440666.1); c.*10-283G>C (NM_001256629.2, NM_001282218.2); c.1988-283G>C (NM_003957.4); and 5 more; short protein forms K665N, K725N, K755N.
Identifiers: ClinVar variation 4849556 (VCV004849556.1).

ClinVar aggregate classification (germline): Uncertain significance (1 of 4 stars; one submission).

Conditions:
Autosomal dominant non-syndromic intellectual disability. Identifiers: Orphanet 178469, MedGen C5680502, MONDO:0015802.

Submission:

Department of Human Genetics, University Hospital Bern, Inselspital
Classification: Uncertain significance for Autosomal dominant non-syndromic intellectual disability. Last evaluated: 2026-05-03. Review status: criteria provided, single submitter. Criteria: ACMG Guidelines, 2015. Collection method: clinical testing. Allele origin: de novo. Affected: yes.
Comment: The missense variant affects a conserved amino acid outside the functional domains. The variant was shown to have occurred de novo in identical twins and is absent from gnomAD v4.1.0. In summary, criteria PS2_Supporting, PM2_Supporting and BP4 were used.

Literature cited by the submitters: PubMed 42509346.